The following is an entry in ClinVar:

ClinVar aggregate classification (germline): Conflicting classifications of pathogenicity. Review status: criteria provided, conflicting classifications (1 of 4 stars). 8 submissions from 8 submitters: Uncertain significance (5); Likely benign (1). 2 of the submissions do not count toward it. Last evaluated 2025-08-28.

Conditions:
Hereditary cancer-predisposing syndrome. Also called: Hereditary Cancer Syndrome; Neoplastic Syndromes, Hereditary; Tumor predisposition; Hereditary neoplastic syndrome. Identifiers: Orphanet 140162, MedGen C0027672, MeSH D009386, MONDO:0015356.
Hereditary breast ovarian cancer syndrome. Also called: Hereditary breast and ovarian cancer; Hereditary breast and ovarian cancer syndrome; Breast and ovarian cancer; Hereditary breast and ovarian cancer syndrome (HBOC); Hereditary breast and/or ovarian cancer syndrome; BRCA1- and BRCA2-Associated Hereditary Breast and Ovarian Cancer. Identifiers: Orphanet 145, MedGen C0677776, MeSH D061325, MONDO:0003582. Disease mechanism: loss of function.
Breast-ovarian cancer, familial, susceptibility to, 2 (BROVCA2). Also called: BRCA2 Hereditary Breast and Ovarian Cancer. Identifiers: Orphanet 145, MedGen C2675520, MONDO:0012933, OMIM 612555. Disease mechanism: loss of function.
Familial cancer of breast. Also called: BREAST CANCER, FAMILIAL; Hereditary breast cancer; hereditary breast carcinoma. Identifiers: Orphanet 227535, MedGen C0346153, MONDO:0016419, OMIM 114480. Disease mechanism: loss of function.

Allele frequency attached by ClinVar (database versions not stated): gnomAD exomes 0.00002; TOPMed 0.00002; ExAC 0.00003; gnomAD 0.00003.
gnomAD v4.1: 5 of 1,613,770 alleles (0.00031%); highest among the groups gnomAD compares: East Asian, 0.0089%; no homozygotes.

Submissions (8):

Women's Health and Genetics/Laboratory Corporation of America, LabCorp
Classification: Uncertain significance. Last evaluated: 2025-08-28. Review status: criteria provided, single submitter. Criteria: LabCorp Variant Classification Summary - May 2015. Collection method: clinical testing. Allele origin: germline.
Comment: Variant summary: BRCA2 c.11G>C (p.Gly4Ala) results in a non-conservative amino acid change in the encoded protein sequence. Algorithms developed to predict the effect of missense changes on protein structure and function are either unavailable or do not agree on the potential impact of this missense change. The variant allele was found at a frequency of 2.4e-05 in 251378 control chromosomes (gnomAD). The available data on variant occurrences in the general population are insufficient to allow any conclusion about variant significance. c.11G>C has been observed in individuals affected with Hereditary Breast And Ovarian Cancer Syndrome (Zhang_2022). The report does not provide unequivocal conclusions about association of the variant with Hereditary Breast And Ovarian Cancer Syndrome. To our knowledge, no experimental evidence demonstrating an impact on protein function has been reported. The following publications have been ascertained in the context of this evaluation (PMID: 35263119, 35918668). ClinVar contains an entry for this variant (Variation ID: 187296). Based on the evidence outlined above, the variant was classified as uncertain significance.

Color Diagnostics, LLC DBA Color Health
Classification: Uncertain significance for Hereditary cancer-predisposing syndrome. Last evaluated: 2025-06-04. Review status: criteria provided, single submitter. Criteria: ACMG Guidelines, 2015. Collection method: clinical testing. Allele origin: germline.
Comment: This missense variant replaces glycine with alanine at codon 4 of the BRCA2 protein. Computational prediction suggests that this variant may not impact protein structure and function. To our knowledge, functional studies have not been reported for this variant. This variant has been detected in a breast cancer case-control meta-analysis in 2/60466 cases and 0/53461 unaffected individuals (PMID: 33471991Leiden Open Variation Database DB-ID BRCA2_003205). A multifactorial analysis has reported a likelihood ratio for pathogenicity based on personal and family history of 0.473 from log(LR)=-0.325241357 for one carrier (PMID: 31853058).\\ This variant has been identified in 7/282778 chromosomes in the general population by the Genome Aggregation Database (gnomAD). Although there is a suspicion that this variant may not be associated with disease, additional studies are necessary to determine the role of this variant in disease conclusively. Therefore, this variant is classified as a Variant of Uncertain Significance.

Labcorp Genetics (formerly Invitae), Labcorp
Classification: Uncertain significance for Hereditary breast ovarian cancer syndrome. Last evaluated: 2024-01-13. Review status: criteria provided, single submitter. Criteria: Invitae Variant Classification Sherloc (09022015). Collection method: clinical testing. Allele origin: germline.
Comment: This sequence change replaces glycine, which is neutral and non-polar, with alanine, which is neutral and non-polar, at codon 4 of the BRCA2 protein (p.Gly4Ala). This variant is present in population databases (rs587782137, gnomAD 0.03%). This missense change has been observed in individual(s) with breast or ovarian cancer (PMID: 35918668). ClinVar contains an entry for this variant (Variation ID: 187296). Advanced modeling of protein sequence and biophysical properties (such as structural, functional, and spatial information, amino acid conservation, physicochemical variation, residue mobility, and thermodynamic stability) performed at Invitae indicates that this missense variant is not expected to disrupt BRCA2 protein function with a negative predictive value of 95%. In summary, the available evidence is currently insufficient to determine the role of this variant in disease. Therefore, it has been classified as a Variant of Uncertain Significance.

Human Genetics Bochum, Ruhr University Bochum
Classification: Uncertain significance for Breast-ovarian cancer, familial, susceptibility to, 2. Last evaluated: 2024-01-05. Review status: criteria provided, single submitter. Criteria: ACMG Guidelines, 2015. Collection method: clinical testing. Allele origin: germline. Affected: yes.
Comment: ACMG criteria used to clasify this variant: PM1_SUP, PM2_SUP, BP1, BP4

Baylor Genetics
Classification: Uncertain significance for Familial cancer of breast. Last evaluated: 2023-05-17. Review status: criteria provided, single submitter. Criteria: ACMG Guidelines, 2015. Collection method: clinical testing. Allele origin: unknown.

Ambry Genetics
Classification: Likely benign for Hereditary cancer-predisposing syndrome. Last evaluated: 2021-05-12. Review status: criteria provided, single submitter. Criteria: Ambry Variant Classification Scheme 2023. Collection method: clinical testing. Allele origin: germline.

Center for Precision Medicine, Meizhou People's Hospital
Classification: Uncertain significance for Familial cancer of breast. Review status: no assertion criteria provided. Collection method: literature only. Allele origin: germline. Affected: yes. Not counted in ClinVar's aggregate classification.

Department of Pathology and Laboratory Medicine, Sinai Health System
Classification: Uncertain significance for Breast-ovarian cancer, familial, susceptibility to, 2. Review status: no assertion criteria provided. Collection method: clinical testing. Allele origin: unknown. Affected: yes. Study: The Canadian Open Genetics Repository (COGR). Not counted in ClinVar's aggregate classification.
Comment: The BRCA2 p.Gly4Ala variant was not identified in the literature nor was it identified in the LOVD 3.0 database. The variant was identified in dbSNP (ID: rs587782137) as â€šÃ„ÃºWith Uncertain significance alleleâ€šÃ„Ã¹ and ClinVar (classified as uncertain significance by Invitae and Ambry Genetics). The variant was identified in control databases in 6 of 277156 chromosomes at a frequency of 0.00002 (Genome Aggregation Database Feb 27, 2017), observed in the East Asian population in 6 of 18864 chromosomes (freq: 0.0003), while it was not observed in the African, Other, Latino, European Non-Finnish, Ashkenazi Jewish, European Finnish, or South Asian populations. The p.Gly4 residue is not conserved in mammals and four out of five computational analyses (PolyPhen-2, SIFT, AlignGVGD, BLOSUM, MutationTaster) do not suggest a high likelihood the Ala variant impacts the protein; however, this information is not predictive enough to rule out pathogenicity. The variant occurs outside of the splicing consensus sequence and 2 of 4 in silico or computational prediction software programs (SpliceSiteFinder, MaxEntScan, NNSPLICE, GeneSplicer) predict a greater than 10% difference in splicing; this is not very predictive of pathogenicity. In summary, based on the above information, the clinical significance of this variant cannot be determined with certainty at this time. This variant is classified as a variant of uncertain significance.

Literature cited by the submitters: PubMed 35263119 (cited by Women's Health and Genetics/Laboratory Corporation of America, LabCorp); PubMed 35918668 (cited by Women's Health and Genetics/Laboratory Corporation of America, LabCorp and Labcorp Genetics (formerly Invitae), Labcorp); PubMed 31853058 (cited by Color Diagnostics, LLC DBA Color Health); PubMed 33471991 (cited by Color Diagnostics, LLC DBA Color Health); PubMed 29684080 (cited by Ambry Genetics).

NM_000059.4(BRCA2):c.11G>C (p.Gly4Ala)

Gene: BRCA2 (BRCA2 DNA repair associated; plus strand). Cytogenetic location: 13q13.1.
Variant type: single nucleotide variant.
Coding change: c.11G>C on transcript NM_000059.4 (MANE Select); coding-DNA position 11, G replaced by C.
Protein change: p.Gly4Ala; replaces glycine 4 with alanine.
Molecular consequence: missense variant.
Genome position (GRCh38, 1-based): chr13:32,316,471, G>C. VCF-style: chr13-32316471-G-C. GRCh37 (hg19) VCF-style: chr13-32890608-G-C.
Other names: short protein forms G4A.
Identifiers: ClinVar variation 187296 (VCV000187296.22), dbSNP rs587782137, ClinGen allele CA011150.